The following is an entry in ClinVar:

NM_000088.4(COL1A1):c.108del (p.Pro37fs)

Gene: COL1A1 (collagen type I alpha 1 chain; minus strand). Cytogenetic location: 17q21.33.
Variant type: Deletion.
Coding change: c.108del on transcript NM_000088.4 (MANE Select); coding-DNA position 108, one base deleted (A; older notation c.108delA).
Protein change: p.Pro37fs; shifts the reading frame from proline 37.
Molecular consequence: frameshift variant.
Genome position (GRCh38, 1-based): chr17:50,199,943, T deleted on the plus strand (A on the coding strand, the reverse complement: COL1A1 is on the minus strand). VCF-style (leftmost placement, unchanged base first): chr17-50199942-GT-G. GRCh37 (hg19) VCF-style: chr17-48277303-GT-G.
Other names: short protein forms P37fs.
Identifiers: ClinVar variation 2504121 (VCV002504121.2), dbSNP rs2509259817, ClinGen allele CA2695200276.

ClinVar aggregate classification (germline): Pathogenic (1 of 4 stars; one submission).

Conditions:
Osteogenesis imperfecta type I (OI1). Also called: Lobstein's Disease; Osteogenesis imperfecta type 1; Classic Non-deforming Osteogenesis Imperfecta with Blue Sclerae; Lobstein disease; OI, TYPE I; OSTEOGENESIS IMPERFECTA TARDA. Identifiers: Orphanet 216796, Orphanet 666, MedGen C0023931, MONDO:0008146, OMIM 166200. Disease mechanism: loss of function.

Submission:

Department of Medical and Surgical Sciences, University of Bologna
Classification: Pathogenic for Osteogenesis imperfecta type I. Last evaluated: 2023-04-12. Review status: criteria provided, single submitter. Criteria: ACMG Guidelines, 2015. Collection method: clinical testing. Allele origin: germline. Inheritance: Autosomal dominant inheritance. Affected: yes. Observed: 1 heterozygote.
Comment: Frameshift variants of COL1A1 are a known cause of Osteogenesis Imperfecta that generally results in a collagen type 1 quantitative defect and tends to associate with a milder phenotype such as classic non-deforming OI type I (Maioli et al, 2019). As a frameshift variant, the c.108del variant is predicted to result in a premature stop codon insertion, likely leading to non-sense mRNA mediated decay and consequently a reduced synthesis of protein. In summary, the patient clinical phenotype and the molecular data support the hypothesis that the c.108del variant is causative of Osteogenesis Imperfecta. Therefore, according to ACMG guidelines (Richards et al., 2015), the c.108del variant was classified as pathogenic by applying the following criteria: PVS1, PM2, PP4.

Literature cited by the submitters: PubMed 30886339.